The following is an entry in ClinVar:

ClinVar aggregate classification (germline): Uncertain significance (1 of 4 stars; one submission).

Conditions:
Bardet-Biedl syndrome (BBS). Identifiers: Orphanet 110, MedGen C0752166, MONDO:0015229.

Submission:

Labcorp Genetics (formerly Invitae), Labcorp
Classification: Uncertain significance for Bardet-Biedl syndrome. Last evaluated: 2022-06-20. Review status: criteria provided, single submitter. Criteria: Invitae Variant Classification Sherloc (09022015). Collection method: clinical testing. Allele origin: germline.
Comment: This variant has not been reported in the literature in individuals affected with BBS2-related conditions. This variant is not present in population databases (gnomAD no frequency). This sequence change replaces histidine, which is basic and polar, with asparagine, which is neutral and polar, at codon 384 of the BBS2 protein (p.His384Asn). Algorithms developed to predict the effect of missense changes on protein structure and function (SIFT, PolyPhen-2, Align-GVGD) all suggest that this variant is likely to be tolerated. In summary, the available evidence is currently insufficient to determine the role of this variant in disease. Therefore, it has been classified as a Variant of Uncertain Significance.

NM_031885.5(BBS2):c.1150C>A (p.His384Asn)

Gene: BBS2 (Bardet-Biedl syndrome 2; minus strand). Cytogenetic location: 16q13.
Variant type: single nucleotide variant.
Coding change: c.1150C>A on transcript NM_031885.5 (MANE Select); coding-DNA position 1150, C replaced by A.
Protein change: p.His384Asn; replaces histidine 384 with asparagine.
Molecular consequence: missense variant. On other transcripts: non-coding transcript variant (5).
Genome position (GRCh38, 1-based): chr16:56,501,428, G>T on the plus strand (C>A on the coding strand, the complement: BBS2 is on the minus strand). VCF-style: chr16-56501428-G-T. GRCh37 (hg19) VCF-style: chr16-56535340-G-T.
Other names: c.1150C>A, p.His384Asn (NM_001377456.1); short protein forms H384N.
Identifiers: ClinVar variation 1427189 (VCV001427189.8), dbSNP rs2144145489, ClinGen allele CA395979988.